The following is an entry in ClinVar:

NM_001394639.1(MROH2A):c.2106C>A (p.Ser702Arg)

Gene: MROH2A (maestro heat like repeat family member 2A; plus strand). Cytogenetic location: 2q37.1.
Variant type: single nucleotide variant.
Coding change: c.2106C>A on transcript NM_001394639.1 (MANE Select); coding-DNA position 2106, C replaced by A.
Protein change: p.Ser702Arg; replaces serine 702 with arginine.
Molecular consequence: missense variant.
Genome position (GRCh38, 1-based): chr2:233,807,476, C>A. VCF-style: chr2-233807476-C-A. GRCh37 (hg19) VCF-style: chr2-234716122-C-A.
Other names: NM_001287395.1:c.2115C>A; c.2106C>A, p.Ser702Arg (NM_001367507.1); short protein forms S702R.
Identifiers: ClinVar variation 4991011 (VCV004991011.1).
Genomic context (GRCh38, chr2:233,807,476, plus strand): 5'-TCTCCAGGGCTTTCTGTACCGGGCCTTGGGCTTCACCTTGGCCACAGGCCTGGAGGCCAG[C>A]AAGGTGGAGGTCCTGCTGTTGGAGCTGCTGTACAAGACGGACTACAGCAATGACTTTGAC-3'
Protein context (NP_001381568.1, residues 692-712): GFTLATGLEA[Ser702Arg]KVEVLLLELL

ClinVar aggregate classification (germline): Uncertain significance (1 of 4 stars; one submission).

Conditions:
MROH2A-related condition.

Submission:

PreventionGenetics, part of Exact Sciences
Classification: Uncertain significance for MROH2A-related condition. Last evaluated: 2026-01-14. Review status: criteria provided, single submitter. Criteria: ACMG Guidelines, 2015. Collection method: clinical testing. Allele origin: germline.
Comment: The MROH2A c.2115C>A variant is predicted to result in the amino acid substitution p.Ser705Arg. To our knowledge, this variant has not been reported in the literature or in a large population database (gnomAD), indicating this variant is rare. At this time, the clinical significance of this variant is uncertain due to the absence of conclusive functional and genetic evidence.